The following is an entry in ClinVar:

NM_001009944.3(PKD1):c.6587_6593dup (p.Gly2199fs)

Gene: PKD1 (polycystin 1, transient receptor potential channel interacting; minus strand). Cytogenetic location: 16p13.3.
Variant type: Duplication.
Coding change: c.6587_6593dup on transcript NM_001009944.3 (MANE Select); coding-DNA positions 6587 to 6593, 7 bases duplicated (AGCGGCC; older notation c.6587_6593dupAGCGGCC).
Protein change: p.Gly2199fs; shifts the reading frame from glycine 2199.
Molecular consequence: frameshift variant.
Genome position (GRCh38, 1-based): chr16:2,108,574-2,108,580, GGCCGCT duplicated on the plus strand (AGCGGCC on the coding strand, the reverse complement: PKD1 is on the minus strand); duplicating any 7 consecutive bases within chr16:2,108,574-2,108,583 gives the same sequence; the c. name uses the placement nearest the transcript's 3' end. VCF-style (leftmost placement, unchanged base first): chr16-2108573-C-CGGCCGCT. GRCh37 (hg19) VCF-style: chr16-2158574-C-CGGCCGCT.
Other names: c.6587_6593dup, p.Gly2199fs (NM_000296.4); short protein forms G2199fs.
Identifiers: ClinVar variation 586287 (VCV000586287.4), dbSNP rs1567192229, ClinGen allele CA891843798.

ClinVar aggregate classification (germline): Pathogenic. Review status: criteria provided, multiple submitters, no conflicts (2 of 4 stars). 3 submissions from 3 submitters: Pathogenic (3). Last evaluated 2024-03-29.

Conditions:
Polycystic kidney disease, adult type (PKD1). Also called: Polycystic Kidney, Autosomal Dominant; Polycystic Kidney Disease 1, Autosomal Dominant; Polycystic kidney disease 1; Polycystic kidney disease 1, severe; POLYCYSTIC KIDNEY DISEASE, ADULT, TYPE I; POLYCYSTIC KIDNEY DISEASE 1 WITH OR WITHOUT POLYCYSTIC LIVER DISEASE. Identifiers: MedGen C3149841, MONDO:0008263, OMIM 173900.
PKD1-related disorder. Also called: PKD1-related condition.

Submissions (3):

Fulgent Genetics
Classification: Pathogenic for Polycystic kidney disease, adult type. Last evaluated: 2024-03-29. Review status: criteria provided, single submitter. Criteria: ACMG Guidelines, 2015. Collection method: clinical testing. Allele origin: germline.

Blueprint Genetics
Classification: Pathogenic for PKD1-related disorders. Last evaluated: 2020-08-19. Review status: criteria provided, single submitter. Criteria: ACMG Guidelines, 2015. Collection method: clinical testing. Allele origin: germline. Affected: yes. Observed: 1 variant allele.

Athena Diagnostics
Classification: Pathogenic. Last evaluated: 2020-08-07. Review status: criteria provided, single submitter. Criteria: Athena Diagnostics Criteria. Collection method: clinical testing. Allele origin: unknown.
Comment: The variant results in a shift of the reading frame, and is therefore predicted to result in the loss of a functional protein. Found in at least one patient with expected phenotype for this gene, and not found in general population data.

Literature cited by the submitters: PubMed 28792715 (cited by Athena Diagnostics).